The following is an entry in ClinVar:

NM_000161.3(GCH1):c.491G>C (p.Gly164Ala)

Gene: GCH1 (GTP cyclohydrolase 1; minus strand). Cytogenetic location: 14q22.2.
Variant type: single nucleotide variant.
Coding change: c.491G>C on transcript NM_000161.3 (MANE Select); coding-DNA position 491, G replaced by C.
Protein change: p.Gly164Ala; replaces glycine 164 with alanine.
Molecular consequence: missense variant.
Genome position (GRCh38, 1-based): chr14:54,859,699, C>G on the plus strand (G>C on the coding strand, the complement: GCH1 is on the minus strand). VCF-style: chr14-54859699-C-G. GRCh37 (hg19) VCF-style: chr14-55326417-C-G.
Other names: c.491G>C, p.Gly164Ala (NM_001024024.2, NM_001024070.2, NM_001024071.2 and 1 more transcripts); c.197G>C, p.Gly66Ala (NM_001424105.1); short protein forms G66A, G164A.
Identifiers: ClinVar variation 2949510 (VCV002949510.7), dbSNP rs2504390482, ClinGen allele CA389788356.

ClinVar aggregate classification (germline): Uncertain significance. Review status: criteria provided, multiple submitters, no conflicts (2 of 4 stars). 2 submissions from 2 submitters: Uncertain significance (2). Last evaluated 2026-02-01.

Conditions:
GTP cyclohydrolase I deficiency. Identifiers: MedGen C0268467, MONDO:0100184.
Dystonia 5 (DRD). Also called: DYSTONIA, PROGRESSIVE, WITH DIURNAL VARIATION; DYSTONIA-PARKINSONISM WITH DIURNAL FLUCTUATION; Dystonia, DOPA-responsive, with or without hyperphenylalaninemia; DYT-GCH1; GTP Cyclohydrolase 1-Deficient Dopa-Responsive Dystonia. Identifiers: Orphanet 98808, MedGen C1851920, MONDO:0007495, OMIM 128230.

Submissions (2):

CeGaT Center for Human Genetics Tuebingen
Classification: Uncertain significance. Last evaluated: 2026-02-01. Review status: criteria provided, single submitter. Criteria: CeGaT Center For Human Genetics Tuebingen Variant Classification Criteria Version 2. Collection method: clinical testing. Allele origin: germline. Affected: yes. Observed: 1 variant allele.
Comment: GCH1: PM2, PP3

Labcorp Genetics (formerly Invitae), Labcorp
Classification: Uncertain significance for GTP cyclohydrolase I deficiency; Dystonia 5. Last evaluated: 2023-09-05. Review status: criteria provided, single submitter. Criteria: Invitae Variant Classification Sherloc (09022015). Collection method: clinical testing. Allele origin: germline.
Comment: This sequence change replaces glycine, which is neutral and non-polar, with alanine, which is neutral and non-polar, at codon 164 of the GCH1 protein (p.Gly164Ala). In summary, the available evidence is currently insufficient to determine the role of this variant in disease. Therefore, it has been classified as a Variant of Uncertain Significance. Advanced modeling of protein sequence and biophysical properties (such as structural, functional, and spatial information, amino acid conservation, physicochemical variation, residue mobility, and thermodynamic stability) performed at Invitae indicates that this missense variant is expected to disrupt GCH1 protein function. This variant has not been reported in the literature in individuals affected with GCH1-related conditions. This variant is not present in population databases (gnomAD no frequency).